The following is an entry in ClinVar:

NM_005245.4(FAT1):c.8089G>A (p.Glu2697Lys)

Gene: FAT1 (FAT atypical cadherin 1; minus strand). Cytogenetic location: 4q35.2.
Variant type: single nucleotide variant.
Coding change: c.8089G>A on transcript NM_005245.4 (MANE Select); coding-DNA position 8089, G replaced by A.
Protein change: p.Glu2697Lys; replaces glutamic acid 2697 with lysine.
Molecular consequence: missense variant.
Genome position (GRCh38, 1-based): chr4:186,618,497, C>T on the plus strand (G>A on the coding strand, the complement: FAT1 is on the minus strand). VCF-style: chr4-186618497-C-T. GRCh37 (hg19) VCF-style: chr4-187539651-C-T.
Other names: short protein forms E2697K.
Identifiers: ClinVar variation 3031143 (VCV003031143.2), dbSNP rs1330099752, ClinGen allele CA358963153.
Genomic context (GRCh38, chr4:186,618,497, plus strand): 5'-GCACGTCCTCTGACACTGTAAAGGTATAGAAAGGTTCTGAAAATTTTGGAAGCTGCATTT[C>T]CGGTGGAAGGATTTTAACATAGACAAGAACAACAGATTCTTTTGATGGAGACCCATTATC-3'
Protein context (NP_005236.2, residues 2687-2707): VLVYVKILPP[Glu2697Lys]MQLPKFSEPF

ClinVar aggregate classification (germline): Uncertain significance (0 of 4 stars; one submission).

Conditions:
FAT1-related disorder. Also called: FAT1-related condition.

gnomAD v4.1: 1 of 1,614,022 alleles (0.000062%); no homozygotes.

Submission:

PreventionGenetics, part of Exact Sciences
Classification: Uncertain significance for FAT1-related condition. Last evaluated: 2023-11-28. Review status: no assertion criteria provided. Collection method: clinical testing. Allele origin: germline.
Comment: The FAT1 c.8089G>A variant is predicted to result in the amino acid substitution p.Glu2697Lys. To our knowledge, this variant has not been reported in the literature. This variant is reported in 0.0% of alleles in individuals of African descent in gnomAD. At this time, the clinical significance of this variant is uncertain due to the absence of conclusive functional and genetic evidence.